The following is an entry in ClinVar:

NM_022455.5(NSD1):c.4760G>A (p.Arg1587His)

Gene: NSD1 (nuclear receptor binding SET domain protein 1; plus strand). Cytogenetic location: 5q35.3.
Variant type: single nucleotide variant.
Coding change: c.4760G>A on transcript NM_022455.5 (MANE Select); coding-DNA position 4760, G replaced by A.
Protein change: p.Arg1587His; replaces arginine 1587 with histidine.
Molecular consequence: missense variant.
Genome position (GRCh38, 1-based): chr5:177,251,848, G>A. VCF-style: chr5-177251848-G-A. GRCh37 (hg19) VCF-style: chr5-176678849-G-A.
Other names: c.3887G>A, p.Arg1296His (NM_001365684.2, NM_001409306.1, NM_001409307.1 and 3 more transcripts); c.4760G>A, p.Arg1587His (NM_001409301.1, NM_001409302.1, NM_001409303.1); c.4340G>A, p.Arg1447His (NM_001409304.1); c.4007G>A, p.Arg1336His (NM_001409305.1); short protein forms R1318H, R1296H, R1336H, R1447H, R1587H.
Identifiers: ClinVar variation 2411072 (VCV002411072.4), dbSNP rs1316313643, ClinGen allele CA362352512.

ClinVar aggregate classification (germline): Uncertain significance. Review status: criteria provided, multiple submitters, no conflicts (2 of 4 stars). 2 submissions from 2 submitters: Uncertain significance (2). Last evaluated 2023-05-26.

Conditions:
Inborn genetic diseases. Identifiers: MedGen C0950123, MeSH D030342.

Allele frequency attached by ClinVar (database versions not stated): TOPMed 0.00001; gnomAD exomes 0.00002.
gnomAD v4.1: 28 of 1,614,108 alleles (0.0017%); highest among the groups gnomAD compares: East Asian, 0.013%; no homozygotes.

Submissions (2):

Labcorp Genetics (formerly Invitae), Labcorp
Classification: Uncertain significance. Last evaluated: 2023-05-26. Review status: criteria provided, single submitter. Criteria: Invitae Variant Classification Sherloc (09022015). Collection method: clinical testing. Allele origin: germline.
Comment: ClinVar contains an entry for this variant (Variation ID: 2411072). This sequence change replaces arginine, which is basic and polar, with histidine, which is basic and polar, at codon 1587 of the NSD1 protein (p.Arg1587His). This variant is not present in population databases (gnomAD no frequency). This variant has not been reported in the literature in individuals affected with NSD1-related conditions. Advanced modeling of protein sequence and biophysical properties (such as structural, functional, and spatial information, amino acid conservation, physicochemical variation, residue mobility, and thermodynamic stability) performed at Invitae indicates that this missense variant is not expected to disrupt NSD1 protein function. In summary, the available evidence is currently insufficient to determine the role of this variant in disease. Therefore, it has been classified as a Variant of Uncertain Significance.

Ambry Genetics
Classification: Uncertain significance for Inborn genetic diseases. Last evaluated: 2021-09-08. Review status: criteria provided, single submitter. Criteria: Ambry Variant Classification Scheme 2023. Collection method: clinical testing. Allele origin: germline.